The following is an entry in ClinVar:

ClinVar aggregate classification (germline): Pathogenic (1 of 4 stars; one submission).

Conditions:
Neurofibromatosis, type 1 (NF1). Also called: VON RECKLINGHAUSEN DISEASE; NEUROFIBROMATOSIS, TYPE I, SOMATIC; Neurofibromatosis, type I; Peripheral type neurofibromatosis. Identifiers: Orphanet 636, MedGen C0027831, MONDO:0018975, OMIM 162200. Disease mechanism: loss of function.

Submission:

Labcorp Genetics (formerly Invitae), Labcorp
Classification: Pathogenic for Neurofibromatosis, type 1. Last evaluated: 2022-10-07. Review status: criteria provided, single submitter. Criteria: Invitae Variant Classification Sherloc (09022015). Collection method: clinical testing. Allele origin: germline.
Comment: For these reasons, this variant has been classified as Pathogenic. This premature translational stop signal has been observed in individual(s) with neurofibromatosis type 1 (PMID: 30014477, 30530636). This variant is not present in population databases (gnomAD no frequency). This sequence change creates a premature translational stop signal (p.Gln514Argfs*12) in the NF1 gene. It is expected to result in an absent or disrupted protein product. Loss-of-function variants in NF1 are known to be pathogenic (PMID: 10712197, 23913538).

Literature cited by the submitters: PubMed 30014477; PubMed 30530636; PubMed 10712197; PubMed 23913538.

NM_001042492.3(NF1):c.1540del (p.Gln514fs)

Gene: NF1 (neurofibromin 1; plus strand). Cytogenetic location: 17q11.2.
Variant type: Deletion.
Coding change: c.1540del on transcript NM_001042492.3 (MANE Select); coding-DNA position 1540, one base deleted (C; older notation c.1540delC).
Protein change: p.Gln514fs; shifts the reading frame from glutamine 514.
Molecular consequence: frameshift variant.
Genome position (GRCh38, 1-based): chr17:31,219,017, C deleted. VCF-style (leftmost placement, unchanged base first): chr17-31219016-AC-A. GRCh37 (hg19) VCF-style: chr17-29546034-AC-A.
Other names: c.1540delC, p.Gln514Argfs (NM_000267.4); c.1540del, p.Gln514fs (NM_001128147.3); short protein forms Q514fs.
Identifiers: ClinVar variation 2034363 (VCV002034363.4), dbSNP rs2544840346, ClinGen allele CA2580092862.